The following is an entry in ClinVar:

ClinVar aggregate classification (germline): Uncertain significance. Review status: criteria provided, multiple submitters, no conflicts (2 of 4 stars). 3 submissions from 3 submitters: Uncertain significance (3). Last evaluated 2023-04-11.

Conditions:
Developmental and epileptic encephalopathy, 23 (DEE23). Also called: Epileptic encephalopathy, early infantile, 23. Identifiers: Orphanet 411986, MedGen C4014492, MONDO:0014371, OMIM 615859.
Inborn genetic diseases. Identifiers: MedGen C0950123, MeSH D030342.

Allele frequency attached by ClinVar (database versions not stated): TOPMed 0.00003; gnomAD 0.00004; gnomAD exomes 0.00005 and 0.00012; ExAC 0.00007.
gnomAD v4.1: 180 of 1,607,482 alleles (0.011%); highest among the groups gnomAD compares: Non-Finnish European, 0.015%; no homozygotes.

Submissions (3):

Genome-Nilou Lab
Classification: Uncertain significance for Developmental and epileptic encephalopathy, 23. Last evaluated: 2023-04-11. Review status: criteria provided, single submitter. Criteria: ACMG Guidelines, 2015. Collection method: clinical testing. Allele origin: germline. Affected: no.

Ambry Genetics
Classification: Uncertain significance for Inborn genetic diseases. Last evaluated: 2022-06-09. Review status: criteria provided, single submitter. Criteria: Ambry Variant Classification Scheme 2023. Collection method: clinical testing. Allele origin: germline.

Labcorp Genetics (formerly Invitae), Labcorp
Classification: Uncertain significance for Developmental and epileptic encephalopathy, 23. Last evaluated: 2022-06-02. Review status: criteria provided, single submitter. Criteria: Invitae Variant Classification Sherloc (09022015). Collection method: clinical testing. Allele origin: germline.
Comment: This sequence change replaces threonine, which is neutral and polar, with alanine, which is neutral and non-polar, at codon 371 of the DOCK7 protein (p.Thr371Ala). This variant is present in population databases (rs746086295, gnomAD 0.01%). This variant has not been reported in the literature in individuals affected with DOCK7-related conditions. ClinVar contains an entry for this variant (Variation ID: 475122). Algorithms developed to predict the effect of missense changes on protein structure and function output the following: SIFT: "Tolerated"; PolyPhen-2: "Benign"; Align-GVGD: "Class C0". The alanine amino acid residue is found in multiple mammalian species, which suggests that this missense change does not adversely affect protein function. In summary, the available evidence is currently insufficient to determine the role of this variant in disease. Therefore, it has been classified as a Variant of Uncertain Significance.

NM_001367561.1(DOCK7):c.1111A>G (p.Thr371Ala)

Gene: DOCK7 (dedicator of cytokinesis 7; minus strand). Cytogenetic location: 1p31.3.
Variant type: single nucleotide variant.
Coding change: c.1111A>G on transcript NM_001367561.1 (MANE Select); coding-DNA position 1111, A replaced by G.
Protein change: p.Thr371Ala; replaces threonine 371 with alanine.
Molecular consequence: missense variant.
Genome position (GRCh38, 1-based): chr1:62,633,503, T>C on the plus strand (A>G on the coding strand, the complement: DOCK7 is on the minus strand). VCF-style: chr1-62633503-T-C. GRCh37 (hg19) VCF-style: chr1-63099174-T-C.
Other names: c.1111A>G, p.Thr371Ala (NM_001271999.2, NM_001272000.2, NM_001272001.2 and 3 more transcripts); c.1111A>G (NM_033407.2); short protein forms T371A.
Identifiers: ClinVar variation 475122 (VCV000475122.8), dbSNP rs746086295, ClinGen allele CA887036.